The following is an entry in ClinVar:

ClinVar aggregate classification (germline): Likely benign (0 of 4 stars; one submission).

Conditions:
NLRP2-related disorder. Also called: NLRP2-related condition.

Allele frequency attached by ClinVar (database versions not stated): gnomAD exomes 0.00014; ExAC 0.00051; gnomAD 0.00146; TOPMed 0.00174; ESP Exome Variant Server 0.00185; 1000 Genomes Project 30x 0.00234; 1000 Genomes Project 0.00240.
gnomAD v4.1: 435 of 1,614,098 alleles (0.027%); highest among the groups gnomAD compares: African/African-American, 0.54%; no homozygotes.

Submission:

PreventionGenetics, part of Exact Sciences
Classification: Likely benign for NLRP2-related condition. Last evaluated: 2019-02-22. Review status: no assertion criteria provided. Collection method: clinical testing. Allele origin: germline.
Comment: This variant is classified as likely benign based on ACMG/AMP sequence variant interpretation guidelines (Richards et al. 2015 PMID: 25741868, with internal and published modifications).

NM_017852.5(NLRP2):c.2796G>C (p.Leu932=)

Gene: NLRP2 (NLR family pyrin domain containing 2; plus strand). Cytogenetic location: 19q13.42.
Variant type: single nucleotide variant.
Coding change: c.2796G>C on transcript NM_017852.5 (MANE Select); coding-DNA position 2796, G replaced by C.
Protein change: p.Leu932=; no amino-acid change (leucine 932 retained).
Molecular consequence: synonymous variant. On other transcripts: non-coding transcript variant (1).
Genome position (GRCh38, 1-based): chr19:54,994,356, G>C. VCF-style: chr19-54994356-G-C. GRCh37 (hg19) VCF-style: chr19-55505724-G-C.
Other names: c.2796G>C, p.Leu932= (NM_001174081.3); c.2730G>C, p.Leu910= (NM_001174082.3); c.2727G>C, p.Leu909= (NM_001174083.2); c.2787G>C, p.Leu929= (NM_001348003.2).
Identifiers: ClinVar variation 3051303 (VCV003051303.2), dbSNP rs139943113, ClinGen allele CA310113727.